The following is an entry in ClinVar:

NM_006767.4(LZTR1):c.1377C>T (p.His459=)

Gene: LZTR1 (leucine zipper like post translational regulator 1; plus strand). Cytogenetic location: 22q11.21.
Variant type: single nucleotide variant.
Coding change: c.1377C>T on transcript NM_006767.4 (MANE Select); coding-DNA position 1377, C replaced by T.
Protein change: p.His459=; no amino-acid change (histidine 459 retained).
Molecular consequence: synonymous variant.
Genome position (GRCh38, 1-based): chr22:20,993,947, C>T. VCF-style: chr22-20993947-C-T. GRCh37 (hg19) VCF-style: chr22-21348236-C-T.
Identifiers: ClinVar variation 706250 (VCV000706250.44), dbSNP rs752985853, ClinGen allele CA10118863.

ClinVar aggregate classification (germline): Benign/Likely benign. Review status: criteria provided, multiple submitters, no conflicts (2 of 4 stars). 7 submissions from 7 submitters: Benign (1); Likely benign (5). 1 of the submissions does not count toward it. Last evaluated 2026-06-01.

Conditions:
LZTR1-related disorder. Also called: LZTR1-related disorders; LZTR1-related condition.
Hereditary cancer-predisposing syndrome. Also called: Neoplastic Syndromes, Hereditary; Tumor predisposition; Hereditary Cancer Syndrome; Hereditary neoplastic syndrome. Identifiers: Orphanet 140162, MedGen C0027672, MeSH D009386, MONDO:0015356.
Cardiovascular phenotype. Identifiers: MedGen CN230736.

Allele frequency attached by ClinVar (database versions not stated): gnomAD exomes 0.00004 and 0.00010; gnomAD 0.00005 and 0.00009; ExAC 0.00007; TOPMed 0.00008.
gnomAD v4.1: 74 of 1,612,464 alleles (0.0046%); highest among the groups gnomAD compares: Admixed American, 0.042%; no homozygotes.

Submissions (7):

CeGaT Center for Human Genetics Tuebingen
Classification: Likely benign. Last evaluated: 2026-06-01. Review status: criteria provided, single submitter. Criteria: CeGaT Center For Human Genetics Tuebingen Variant Classification Criteria Version 2. Collection method: clinical testing. Allele origin: germline. Affected: yes. Observed: 4 variant alleles.
Comment: LZTR1: BP4, BP7

Labcorp Genetics (formerly Invitae), Labcorp
Classification: Likely benign. Last evaluated: 2026-02-03. Review status: criteria provided, single submitter. Criteria: Invitae Variant Classification Sherloc (09022015). Collection method: clinical testing. Allele origin: germline.

Blueprint Genetics
Classification: Likely benign. Last evaluated: 2024-04-08. Review status: criteria provided, single submitter. Criteria: ACMG Guidelines, 2015. Collection method: clinical testing. Allele origin: germline.

Ambry Genetics
Classification: Likely benign for Cardiovascular phenotype; Hereditary cancer-predisposing syndrome. Last evaluated: 2020-08-31. Review status: criteria provided, single submitter. Criteria: Ambry Variant Classification Scheme 2023. Collection method: clinical testing. Allele origin: germline.

Women's Health and Genetics/Laboratory Corporation of America, LabCorp
Classification: Benign. Last evaluated: 2020-06-29. Review status: criteria provided, single submitter. Criteria: LabCorp Variant Classification Summary - May 2015. Collection method: clinical testing. Allele origin: germline.

Breakthrough Genomics
Classification: Likely benign. Review status: criteria provided, single submitter. Criteria: ACMG Guidelines, 2015. Collection method: not provided. Allele origin: germline. Inheritance: Autosomal recessive inheritance. Affected: yes.

PreventionGenetics, part of Exact Sciences
Classification: Likely benign for LZTR1-related condition. Last evaluated: 2024-01-31. Review status: no assertion criteria provided. Collection method: clinical testing. Allele origin: germline. Not counted in ClinVar's aggregate classification.
Comment: This variant is classified as likely benign based on ACMG/AMP sequence variant interpretation guidelines (Richards et al. 2015 PMID: 25741868, with internal and published modifications).